The following is an entry in ClinVar:

ClinVar aggregate classification (germline): Pathogenic (1 of 4 stars; one submission).

Submission:

GeneDx
Classification: Pathogenic. Last evaluated: 2022-06-06. Review status: criteria provided, single submitter. Criteria: GeneDx Variant Classification Process June 2021. Collection method: clinical testing. Allele origin: germline. Affected: yes.
Comment: Nonsense variant predicted to result in protein truncation or nonsense mediated decay in a gene for which loss of function is a known mechanism of disease; Not observed at significant frequency in large population cohorts (gnomAD); This variant is associated with the following publications: (PMID: 26785492, 33084842, 28991257, 32368696, 28191890)

NM_003482.4(KMT2D):c.1047T>A (p.Cys349Ter)

Gene: KMT2D (lysine methyltransferase 2D; minus strand). Cytogenetic location: 12q13.12.
Variant type: single nucleotide variant.
Coding change: c.1047T>A on transcript NM_003482.4 (MANE Select); coding-DNA position 1047, T replaced by A.
Protein change: p.Cys349Ter; replaces cysteine 349 with a stop codon.
Molecular consequence: nonsense.
Genome position (GRCh38, 1-based): chr12:49,052,980, A>T on the plus strand (T>A on the coding strand, the complement: KMT2D is on the minus strand). VCF-style: chr12-49052980-A-T. GRCh37 (hg19) VCF-style: chr12-49446763-A-T.
Other names: short protein forms C349*.
Identifiers: ClinVar variation 1803432 (VCV001803432.1), dbSNP rs2120692230, ClinGen allele CA384678206.